The following is an entry in ClinVar:

NM_001366722.1(GRIP1):c.2461C>G (p.Gln821Glu)

Gene: GRIP1 (glutamate receptor interacting protein 1; minus strand). Cytogenetic location: 12q14.3.
Variant type: single nucleotide variant.
Coding change: c.2461C>G on transcript NM_001366722.1 (MANE Select); coding-DNA position 2461, C replaced by G.
Protein change: p.Gln821Glu; replaces glutamine 821 with glutamic acid.
Molecular consequence: missense variant.
Genome position (GRCh38, 1-based): chr12:66,392,311, G>C on the plus strand (C>G on the coding strand, the complement: GRIP1 is on the minus strand). VCF-style: chr12-66392311-G-C. GRCh37 (hg19) VCF-style: chr12-66786091-G-C.
Other names: p.Gln769Glu; c.2305C>G, p.Gln769Glu (NM_001178074.2, NM_021150.4); c.2380C>G, p.Gln794Glu (NM_001366723.1); c.2383C>G, p.Gln795Glu (NM_001366724.1); short protein forms Q769E, Q794E, Q795E, Q821E.
Identifiers: ClinVar variation 261410 (VCV000261410.20), dbSNP rs13277, ClinGen allele CA6674128.

ClinVar aggregate classification (germline): Benign. Review status: criteria provided, multiple submitters, no conflicts (2 of 4 stars). 11 submissions from 11 submitters: Benign (10). 1 of the submissions does not count toward it. Last evaluated 2026-02-04.

Conditions:
Fraser syndrome 3. Identifiers: MedGen C4540040, MONDO:0054739, OMIM 617667.
Fraser syndrome 1 (FRASRS1). Also called: CRYPTOPHTHALMOS WITH OTHER MALFORMATIONS. Identifiers: Orphanet 2052, MedGen C4551480, MONDO:0054737, OMIM 219000.

Allele frequency attached by ClinVar (database versions not stated): 1000 Genomes Project 30x 0.84041; 1000 Genomes Project 0.84365; TOPMed 0.86246; gnomAD 0.87545 and 0.88185; ESP Exome Variant Server 0.88958; ExAC 0.94937; gnomAD exomes 0.95117.
gnomAD v4.1: 1,543,446 of 1,587,370 alleles (97%); highest among the groups gnomAD compares: Non-Finnish European, 100%; 755,875 homozygotes.

Submissions (11):

Labcorp Genetics (formerly Invitae), Labcorp
Classification: Benign. Last evaluated: 2026-02-04. Review status: criteria provided, single submitter. Criteria: Invitae Variant Classification Sherloc (09022015). Collection method: clinical testing. Allele origin: germline.

Blueprint Genetics
Classification: Benign. Last evaluated: 2024-11-27. Review status: criteria provided, single submitter. Criteria: ACMG Guidelines, 2015. Collection method: clinical testing. Allele origin: germline.

Mayo Clinic Laboratories, Mayo Clinic
Classification: Benign. Last evaluated: 2022-03-09. Review status: criteria provided, single submitter. Criteria: ACMG Guidelines, 2015. Collection method: clinical testing. Allele origin: germline. Observed: 74 variant alleles.

Genome-Nilou Lab
Classification: Benign for Fraser syndrome 3. Last evaluated: 2021-08-10. Review status: criteria provided, single submitter. Criteria: ACMG Guidelines, 2015. Collection method: clinical testing. Allele origin: germline. Affected: no.

GeneDx
Classification: Benign. Last evaluated: 2019-10-25. Review status: criteria provided, single submitter. Criteria: GeneDx Variant Classification Process June 2021. Collection method: clinical testing. Allele origin: germline. Affected: yes.

Mendelics
Classification: Benign for Fraser syndrome 1. Last evaluated: 2019-05-28. Review status: criteria provided, single submitter. Criteria: Mendelics Assertion Criteria 2017. Collection method: clinical testing. Allele origin: unknown.

Illumina Laboratory Services, Illumina
Classification: Benign for Fraser syndrome 3. Last evaluated: 2018-01-13. Review status: criteria provided, single submitter. Criteria: ICSL Variant Classification Criteria 13 December 2019. Collection method: clinical testing. Allele origin: germline.
Comment: This variant was observed in the ICSL laboratory as part of a predisposition screen in an ostensibly healthy population. It had not been previously curated by ICSL or reported in the Human Gene Mutation Database (HGMD: prior to June 1st, 2018), and was therefore a candidate for classification through an automated scoring system. Utilizing variant allele frequency, disease prevalence and penetrance estimates, and inheritance mode, an automated score was calculated to assess if this variant is too frequent to cause the disease. Based on the score and internal cut-off values, a variant classified as benign is not then subjected to further curation. The score for this variant resulted in a classification of benign for this disease.

Genome Diagnostics Laboratory, University Medical Center Utrecht
Classification: Benign for Fraser syndrome 1. Last evaluated: 2014-10-09. Review status: criteria provided, single submitter. Criteria: ACGS Guidelines, 2013. Collection method: clinical testing. Allele origin: germline. Affected: yes. Study: VKGL Data-share Consensus.

Breakthrough Genomics
Classification: Benign. Review status: criteria provided, single submitter. Criteria: ACMG Guidelines, 2015. Collection method: not provided. Allele origin: germline. Inheritance: Autosomal recessive inheritance. Affected: yes.

PreventionGenetics, part of Exact Sciences
Classification: Benign. Review status: criteria provided, single submitter. Criteria: ACMG Guidelines, 2015. Collection method: clinical testing. Allele origin: germline.

Diagnostic Laboratory, Department of Genetics, University Medical Center Groningen
Classification: Benign for Fraser syndrome 1. Review status: no assertion criteria provided. Collection method: clinical testing. Allele origin: germline. Affected: yes. Study: VKGL Data-share Consensus. Not counted in ClinVar's aggregate classification.